The following is an entry in ClinVar:

NM_001348364.2(SIGLEC16):c.1411T>C (p.Leu471=)

Gene: SIGLEC16 (sialic acid binding Ig like lectin 16 (gene/pseudogene); plus strand). Cytogenetic location: 19q13.33.
Variant type: single nucleotide variant.
Coding change: c.1411T>C on transcript NM_001348364.2; coding-DNA position 1411, T replaced by C.
Protein change: p.Leu471=; no amino-acid change (leucine 471 retained).
Molecular consequence: synonymous variant. On other transcripts: non-coding transcript variant (1).
Genome position (GRCh38, 1-based): chr19:49,973,080, T>C. VCF-style: chr19-49973080-T-C. GRCh37 (hg19) VCF-style: chr19-50476337-T-C.
Identifiers: ClinVar variation 4872833 (VCV004872833.2).

ClinVar aggregate classification (germline): Likely benign (1 of 4 stars; one submission).

Submission:

CeGaT Center for Human Genetics Tuebingen
Classification: Likely benign. Last evaluated: 2026-06-01. Review status: criteria provided, single submitter. Criteria: CeGaT Center For Human Genetics Tuebingen Variant Classification Criteria Version 2. Collection method: clinical testing. Allele origin: germline. Affected: yes. Observed: 1 variant allele.
Comment: SIGLEC16: BP4, BP7